The following is an entry in ClinVar:

NM_000052.7(ATP7A):c.4415G>A (p.Arg1472His)

Gene: ATP7A (ATPase copper transporting alpha; plus strand). Cytogenetic location: Xq21.1.
Variant type: single nucleotide variant.
Coding change: c.4415G>A on transcript NM_000052.7 (MANE Select); coding-DNA position 4415, G replaced by A.
Protein change: p.Arg1472His; replaces arginine 1472 with histidine.
Molecular consequence: missense variant. On other transcripts: non-coding transcript variant (1).
Genome position (GRCh38, 1-based): chrX:78,046,482, G>A. VCF-style: chrX-78046482-G-A. GRCh37 (hg19) VCF-style: chrX-77301979-G-A.
Other names: c.4181G>A, p.Arg1394His (NM_001282224.2); short protein forms R1394H, R1472H.
Identifiers: ClinVar variation 1006497 (VCV001006497.9), dbSNP rs1204475767, ClinGen allele CA413606371.

ClinVar aggregate classification (germline): Uncertain significance. Review status: criteria provided, multiple submitters, no conflicts (2 of 4 stars). 3 submissions from 3 submitters: Uncertain significance (2). 1 of the submissions does not count toward it. Last evaluated 2025-11-25.

Conditions:
Menkes kinky-hair syndrome (MNK). Also called: Classic Menkes Disease; Menkes Disease; Copper transport disease. Identifiers: Orphanet 565, MedGen C0022716, MONDO:0010651, OMIM 309400.
X-linked distal spinal muscular atrophy type 3. Also called: SPINAL MUSCULAR ATROPHY, DISTAL, X-LINKED RECESSIVE; NEURONOPATHY, DISTAL HEREDITARY MOTOR, X-LINKED; NEUROPATHY, DISTAL HEREDITARY MOTOR, X-LINKED; ATP7A-Related Distal Motor Neuropathy. Identifiers: Orphanet 139557, MedGen C1845359, MONDO:0010338, OMIM 300489.
Cutis laxa, X-linked (OHS). Also called: EDS IX; Occipital horn syndrome. Identifiers: Orphanet 198, MedGen C0268353, MONDO:0010572, OMIM 304150.

Allele frequency attached by ClinVar (database versions not stated): gnomAD exomes below 0.00001; gnomAD 0.00001; TOPMed 0.00001.
gnomAD v4.1: 7 of 1,208,854 alleles (0.00058%); highest among the groups gnomAD compares: Admixed American, 0.0022%; no homozygotes.

Submissions (3):

Women's Health and Genetics/Laboratory Corporation of America, LabCorp
Classification: Uncertain significance. Last evaluated: 2025-11-25. Review status: criteria provided, single submitter. Criteria: LabCorp Variant Classification Summary - May 2015. Collection method: clinical testing. Allele origin: germline.
Comment: Variant summary: ATP7A c.4415G>A (p.Arg1472His) results in a non-conservative amino acid change in the encoded protein sequence. Algorithms developed to predict the effect of missense changes on protein structure and function are either unavailable or do not agree on the potential impact of this missense change. The frequency data for this variant in gnomAD is considered unreliable, as metrics indicate poor data quality at this position. To our knowledge, no occurrence of c.4415G>A in individuals affected with ATP7A-related conditions and no experimental evidence demonstrating its impact on protein function have been reported. ClinVar contains an entry for this variant (Variation ID: 1006497). Based on the evidence outlined above, the variant was classified as uncertain significance.

Labcorp Genetics (formerly Invitae), Labcorp
Classification: Uncertain significance for X-linked distal spinal muscular atrophy type 3; Cutis laxa, X-linked; Menkes kinky-hair syndrome. Last evaluated: 2025-07-27. Review status: criteria provided, single submitter. Criteria: Invitae Variant Classification Sherloc (09022015). Collection method: clinical testing. Allele origin: germline.
Comment: This sequence change replaces arginine, which is basic and polar, with histidine, which is basic and polar, at codon 1472 of the ATP7A protein (p.Arg1472His). This variant is not present in population databases (gnomAD no frequency). This variant has not been reported in the literature in individuals affected with ATP7A-related conditions. ClinVar contains an entry for this variant (Variation ID: 1006497). Invitae Evidence Modeling of protein sequence and biophysical properties (such as structural, functional, and spatial information, amino acid conservation, physicochemical variation, residue mobility, and thermodynamic stability) indicates that this missense variant is not expected to disrupt ATP7A protein function with a negative predictive value of 95%. In summary, the available evidence is currently insufficient to determine the role of this variant in disease. Therefore, it has been classified as a Variant of Uncertain Significance.

Natera, Inc.
Classification: Uncertain significance for Menkes kinky hair syndrome. Last evaluated: 2020-11-10. Review status: no assertion criteria provided. Collection method: clinical testing. Allele origin: germline. Not counted in ClinVar's aggregate classification.